The following is an entry in ClinVar:

ClinVar aggregate classification (germline): Uncertain significance. Review status: criteria provided, multiple submitters, no conflicts (2 of 4 stars). 2 submissions from 2 submitters: Uncertain significance (2). Last evaluated 2024-05-01.

Conditions:
Cardiac arrhythmia. Also called: Cardiac rhythm disease; Arrhythmia. Identifiers: MedGen C0003811, MONDO:0007263, HP:0011675.

Submissions (2):

Labcorp Genetics (formerly Invitae), Labcorp
Classification: Uncertain significance for Cardiac arrhythmia. Last evaluated: 2024-05-01. Review status: criteria provided, single submitter. Criteria: Invitae Variant Classification Sherloc (09022015). Collection method: clinical testing. Allele origin: germline.
Comment: This sequence change creates a premature translational stop signal (p.Asp6Leufs*18) in the RANGRF gene. It is expected to result in an absent or disrupted protein product. However, the current clinical and genetic evidence is not sufficient to establish whether loss-of-function variants in RANGRF cause disease. This variant is present in population databases (rs752068609, gnomAD 0.002%). This variant has not been reported in the literature in individuals affected with RANGRF-related conditions. In summary, the available evidence is currently insufficient to determine the role of this variant in disease. Therefore, it has been classified as a Variant of Uncertain Significance.

AiLife Diagnostics
Classification: Uncertain significance. Last evaluated: 2022-02-02. Review status: criteria provided, single submitter. Criteria: ACMG Guidelines, 2015. Collection method: clinical testing. Allele origin: germline. Affected: yes. Observed: 1 variant allele.

Literature cited by the submitters: PubMed 26899768 (cited by AiLife Diagnostics).

NM_016492.5(RANGRF):c.16_17del (p.Asp6fs)

Genes: RANGRF (RAN guanine nucleotide release factor; plus strand), SLC25A35 (solute carrier family 25 member 35; minus strand). Cytogenetic location: 17p13.1.
Variant type: Microsatellite.
Coding change: c.16_17del on transcript NM_016492.5 (MANE Select); coding-DNA positions 16 to 17, 2 bases deleted (GA; older notation c.16_17delGA).
Protein change: p.Asp6fs; shifts the reading frame from aspartic acid 6.
Molecular consequence: frameshift variant. On other transcripts: 3 prime UTR variant (1), non-coding transcript variant (1), intron variant (1).
Genome position (GRCh38, 1-based): chr17:8,288,804-8,288,805, GA deleted; deleting any 2 consecutive bases within chr17:8,288,800-8,288,805 gives the same sequence; the c. name uses the placement nearest the transcript's 3' end. VCF-style (leftmost placement, unchanged base first): chr17-8288799-CGA-C. GRCh37 (hg19) VCF-style: chr17-8192117-CGA-C.
Other names: c.16_17del, p.Asp6fs (NM_001177801.2, NM_001177802.2, NM_001330127.2); c.*811TC[2] (NM_201520.3); c.*43-373TC[2] (NM_001320871.2); short protein forms D6fs.
Identifiers: ClinVar variation 1677880 (VCV001677880.7), dbSNP rs752068609, ClinGen allele CA8374280.
Genomic context (GRCh38, chr17:8,288,799, plus strand): 5'-TGTGGACTTCTTTTAAACCTTTCTAATGCCCATAACCCAGCCTCAGACCCATGGAGCCCA[CGA>C]GAGACTGCCCGCTGTTCGGGGGCGCCTTTTCCGCCATCCTCCCCATGGGGGCCATTGACG-3'